The following is an entry in ClinVar:

ClinVar aggregate classification (germline): Uncertain significance (1 of 4 stars; one submission).

gnomAD v4.1: 9 of 1,613,982 alleles (0.00056%); highest among the groups gnomAD compares: South Asian, 0.0022%; no homozygotes.

Submission:

Dasa
Classification: Uncertain significance. Last evaluated: 2025-08-11. Review status: criteria provided, single submitter. Criteria: DASA Assertion Criteria. Collection method: clinical testing. Allele origin: germline.
Comment: NM_001007792.1(NTRK1):c.98G>A (p.Arg33Gln) is a missense variant that results in the substitution of arginine with glutamine. This variant is rare in population databases. The currently available literature and clinical evidence are not sufficient to establish a definitive association between this variant and the reported condition. Therefore, this variant is classified as a variant of uncertain significance.

NM_001007792.1(NTRK1):c.98G>A (p.Arg33Gln)

Genes: INSRR (insulin receptor related receptor; minus strand), NTRK1 (neurotrophic receptor tyrosine kinase 1; plus strand). Cytogenetic location: 1q23.1.
Variant type: single nucleotide variant.
Coding change: c.98G>A on transcript NM_001007792.1; coding-DNA position 98, G replaced by A.
Protein change: p.Arg33Gln; replaces arginine 33 with glutamine.
Molecular consequence: missense variant. On other transcripts: nonsense (1).
Genome position (GRCh38, 1-based): chr1:156,842,169, G>A. VCF-style: chr1-156842169-G-A. GRCh37 (hg19) VCF-style: chr1-156811961-G-A.
Other names: c.3340C>T, p.Arg1114Ter (NM_014215.3); short protein forms R1114*, R33Q.
Identifiers: ClinVar variation 4881685 (VCV004881685.2).